The following is an entry in ClinVar:

ClinVar aggregate classification (germline): Uncertain significance (1 of 4 stars; one submission).

Conditions:
Hereditary cancer-predisposing syndrome. Also called: Neoplastic Syndromes, Hereditary; Tumor predisposition; Hereditary neoplastic syndrome; Hereditary Cancer Syndrome. Identifiers: Orphanet 140162, MedGen C0027672, MeSH D009386, MONDO:0015356.

Submission:

Ambry Genetics
Classification: Uncertain significance for Hereditary cancer-predisposing syndrome. Last evaluated: 2024-05-28. Review status: criteria provided, single submitter. Criteria: Ambry Variant Classification Scheme 2023. Collection method: clinical testing. Allele origin: germline.
Comment: The c.-3G>A variant is located in the 5' untranslated region (5&rsquo; UTR) of the TMEM127 gene. This variant results from a G to A substitution 3 bases upstream from the first translated codon. This nucleotide position is highly conserved in available vertebrate species. Based on the available evidence, the clinical significance of this variant remains unclear.

NM_017849.4(TMEM127):c.-3G>A

Genes: TMEM127 (transmembrane protein 127; minus strand), LOC129934333 (ATAC-STARR-seq lymphoblastoid silent region 11759; plus strand). Cytogenetic location: 2q11.2.
Variant type: single nucleotide variant.
Coding change: c.-3G>A on transcript NM_017849.4 (MANE Select); 3 bases upstream of the start codon, G replaced by A.
Molecular consequence: 5 prime UTR variant. On other transcripts: intron variant (1).
Genome position (GRCh38, 1-based): chr2:96,265,384, C>T on the plus strand (G>A on the coding strand, the complement: TMEM127 is on the minus strand). VCF-style: chr2-96265384-C-T. GRCh37 (hg19) VCF-style: chr2-96931122-C-T.
Other names: c.-3G>A (NM_001193304.3); c.-9+485G>A (NM_001407283.1).
Identifiers: ClinVar variation 3326706 (VCV003326706.1).
Genomic context (GRCh38, chr2:96,265,384, plus strand): 5'-CTCCCGGGCTCCTCCGCCGGCGCCCGCCGGGCAGCCCTGCGCCTCCGGGGGCGTACATGC[C>T]CGGGGCCGCCCGCCGTCGCTCCGCAGTCGCTGCTGGTCGCCGCCGACCTCCGCGGGGCGC-3'